The following is an entry in ClinVar:

NM_014053.4(FLVCR1):c.*166G>A

Gene: FLVCR1 (FLVCR choline and heme transporter 1; plus strand). Cytogenetic location: 1q32.3.
Variant type: single nucleotide variant.
Coding change: c.*166G>A on transcript NM_014053.4 (MANE Select); 166 bases downstream of the stop codon, G replaced by A.
Molecular consequence: 3 prime UTR variant.
Genome position (GRCh38, 1-based): chr1:212,895,456, G>A. VCF-style: chr1-212895456-G-A. GRCh37 (hg19) VCF-style: chr1-213068798-G-A.
Identifiers: ClinVar variation 295329 (VCV000295329.5), dbSNP rs41301017, ClinGen allele CA10609776.

ClinVar aggregate classification (germline): Likely benign (1 of 4 stars; one submission).

Conditions:
Posterior column ataxia-retinitis pigmentosa syndrome (RETSNS). Also called: RETINOPATHY-SENSORY NEUROPATHY SYNDROME. Identifiers: Orphanet 88628, MedGen C1836916, MONDO:0012177, OMIM 609033.

Allele frequency attached by ClinVar (database versions not stated): gnomAD 0.00347 and 0.00378; TOPMed 0.00404.
gnomAD v4.1: 739 of 643,018 alleles (0.11%); highest among the groups gnomAD compares: African/African-American, 1.2%; 10 homozygotes.

Submission:

Illumina Laboratory Services, Illumina
Classification: Likely benign for Posterior column ataxia-retinitis pigmentosa syndrome. Last evaluated: 2018-01-12. Review status: criteria provided, single submitter. Criteria: ICSL Variant Classification Criteria 13 December 2019. Collection method: clinical testing. Allele origin: germline.
Comment: This variant was observed in the ICSL laboratory as part of a predisposition screen in an ostensibly healthy population. It had not been previously curated by ICSL or reported in the Human Gene Mutation Database (HGMD: prior to June 1st, 2018), and was therefore a candidate for classification through an automated scoring system. Utilizing variant allele frequency, disease prevalence and penetrance estimates, and inheritance mode, an automated score was calculated to assess if this variant is too frequent to cause the disease. Based on the score and internal cut-off values, a variant classified as likely benign is not then subjected to further curation. The score for this variant resulted in a classification of likely benign for this disease.